The following is an entry in ClinVar:

NM_000216.4(ANOS1):c.1852G>A (p.Val618Ile)

Gene: ANOS1 (anosmin 1; minus strand). Cytogenetic location: Xp22.31.
Variant type: single nucleotide variant.
Coding change: c.1852G>A on transcript NM_000216.4 (MANE Select); coding-DNA position 1852, G replaced by A.
Protein change: p.Val618Ile; replaces valine 618 with isoleucine.
Molecular consequence: missense variant.
Genome position (GRCh38, 1-based): chrX:8,534,451, C>T on the plus strand (G>A on the coding strand, the complement: ANOS1 is on the minus strand). VCF-style: chrX-8534451-C-T. GRCh37 (hg19) VCF-style: chrX-8502492-C-T.
Other names: c.1852G>A (NM_000216.2); short protein forms V618I.
Identifiers: ClinVar variation 1979197 (VCV001979197.5), dbSNP rs141134357, ClinGen allele CA10343535.

ClinVar aggregate classification (germline): Uncertain significance. Review status: criteria provided, multiple submitters, no conflicts (2 of 4 stars). 2 submissions from 2 submitters: Uncertain significance (2). Last evaluated 2025-06-12.

Conditions:
Hypogonadotropic hypogonadism 1 with or without anosmia (HH1). Also called: Kallmann syndrome, type 1, X-linked; DYSPLASIA OLFACTOGENITALIS OF DE MORSIER; HYPOGONADOTROPIC HYPOGONADISM 1 WITH ANOSMIA; HYPOGONADOTROPIC HYPOGONADISM AND ANOSMIA; KAL1-Related GnRH Deficiency (Kallmann Syndrome 1; Kallmann Syndrome, X-Linked); Hypogonadotropic hypogonadism 1 with or without anosmia (Kallmann syndrome 1). Identifiers: Orphanet 478, MedGen C1563719, MONDO:0010635, OMIM 308700. Disease mechanism: loss of function.
Inborn genetic diseases. Identifiers: MedGen C0950123, MeSH D030342.

Allele frequency attached by ClinVar (database versions not stated): ExAC 0.00001; gnomAD 0.00007; ESP Exome Variant Server 0.00009.
gnomAD v4.1: 12 of 1,207,643 alleles (0.00099%); highest among the groups gnomAD compares: African/African-American, 0.021%; no homozygotes.

Submissions (2):

Labcorp Genetics (formerly Invitae), Labcorp
Classification: Uncertain significance for Hypogonadotropic hypogonadism 1 with or without anosmia. Last evaluated: 2025-06-12. Review status: criteria provided, single submitter. Criteria: Invitae Variant Classification Sherloc (09022015). Collection method: clinical testing. Allele origin: germline.
Comment: This sequence change replaces valine, which is neutral and non-polar, with isoleucine, which is neutral and non-polar, at codon 618 of the ANOS1 protein (p.Val618Ile). This variant is present in population databases (rs141134357, gnomAD 0.02%). This variant has not been reported in the literature in individuals affected with ANOS1-related conditions. ClinVar contains an entry for this variant (Variation ID: 1979197). Invitae Evidence Modeling of protein sequence and biophysical properties (such as structural, functional, and spatial information, amino acid conservation, physicochemical variation, residue mobility, and thermodynamic stability) indicates that this missense variant is not expected to disrupt ANOS1 protein function with a negative predictive value of 80%. In summary, the available evidence is currently insufficient to determine the role of this variant in disease. Therefore, it has been classified as a Variant of Uncertain Significance.

Ambry Genetics
Classification: Uncertain significance for Inborn genetic diseases. Last evaluated: 2025-04-08. Review status: criteria provided, single submitter. Criteria: Ambry Variant Classification Scheme 2023. Collection method: clinical testing. Allele origin: germline.